The following is an entry in ClinVar:

ClinVar aggregate classification (germline): Likely benign. Review status: criteria provided, multiple submitters, no conflicts (2 of 4 stars). 3 submissions from 3 submitters: Likely benign (2). 1 of the submissions does not count toward it. Last evaluated 2025-08-14.

Conditions:
NPC1-related disorder. Also called: NPC1-related condition.
Niemann-Pick disease, type C1. Also called: NIEMANN-PICK DISEASE, VARIANT TYPE C1; NEUROVISCERAL STORAGE DISEASE WITH VERTICAL SUPRANUCLEAR OPHTHALMOPLEGIA; NIEMANN-PICK DISEASE WITH CHOLESTEROL ESTERIFICATION BLOCK; NIEMANN-PICK DISEASE WITHOUT SPHINGOMYELINASE DEFICIENCY; NIEMANN-PICK DISEASE, CHRONIC NEURONOPATHIC FORM. Identifiers: Orphanet 646, MedGen C3179455, MONDO:0009757, OMIM 257220.

Allele frequency attached by ClinVar (database versions not stated): TOPMed below 0.00001; gnomAD 0.00001; gnomAD exomes 0.00001.
gnomAD v4.1: 15 of 1,614,098 alleles (0.00093%); highest among the groups gnomAD compares: Non-Finnish European, 0.0012%; no homozygotes.

Submissions (3):

Labcorp Genetics (formerly Invitae), Labcorp
Classification: Likely benign for Niemann-Pick disease, type C1. Last evaluated: 2025-08-14. Review status: criteria provided, single submitter. Criteria: Invitae Variant Classification Sherloc (09022015). Collection method: clinical testing. Allele origin: germline.

Blueprint Genetics
Classification: Likely benign. Last evaluated: 2022-04-27. Review status: criteria provided, single submitter. Criteria: ACMG Guidelines, 2015. Collection method: clinical testing. Allele origin: germline.

PreventionGenetics, part of Exact Sciences
Classification: Likely benign for NPC1-related condition. Last evaluated: 2021-04-01. Review status: no assertion criteria provided. Collection method: clinical testing. Allele origin: germline. Not counted in ClinVar's aggregate classification.
Comment: This variant is classified as likely benign based on ACMG/AMP sequence variant interpretation guidelines (Richards et al. 2015 PMID: 25741868, with internal and published modifications).

NM_000271.5(NPC1):c.3639G>A (p.Leu1213=)

Gene: NPC1 (NPC intracellular cholesterol transporter 1; minus strand). Cytogenetic location: 18q11.2.
Variant type: single nucleotide variant.
Coding change: c.3639G>A on transcript NM_000271.5 (MANE Select); coding-DNA position 3639, G replaced by A.
Protein change: p.Leu1213=; no amino-acid change (leucine 1213 retained).
Molecular consequence: synonymous variant.
Genome position (GRCh38, 1-based): chr18:23,533,470, C>T on the plus strand (G>A on the coding strand, the complement: NPC1 is on the minus strand). VCF-style: chr18-23533470-C-T. GRCh37 (hg19) VCF-style: chr18-21113434-C-T.
Other names: c.3639G>A (NM_000271.4).
Identifiers: ClinVar variation 1088450 (VCV001088450.12), dbSNP rs120074131, ClinGen allele CA503322067.